The following is an entry in ClinVar:

NM_000465.4(BARD1):c.1729C>T (p.Leu577=)

Gene: BARD1 (BRCA1 associated RING domain 1; minus strand). Cytogenetic location: 2q35.
Variant type: single nucleotide variant.
Coding change: c.1729C>T on transcript NM_000465.4 (MANE Select); coding-DNA position 1729, C replaced by T.
Protein change: p.Leu577=; no amino-acid change (leucine 577 retained).
Molecular consequence: synonymous variant. On other transcripts: non-coding transcript variant (3), intron variant (1).
Genome position (GRCh38, 1-based): chr2:214,745,803, G>A on the plus strand (C>T on the coding strand, the complement: BARD1 is on the minus strand). VCF-style: chr2-214745803-G-A. GRCh37 (hg19) VCF-style: chr2-215610527-G-A.
Other names: c.1672C>T, p.Leu558= (NM_001282543.2); c.376C>T, p.Leu126= (NM_001282545.2); c.319C>T, p.Leu107= (NM_001282548.2); c.365-15295C>T (NM_001282549.2); c.1729C>T (NM_000465.3).
Identifiers: ClinVar variation 231254 (VCV000231254.19), dbSNP rs749756887, ClinGen allele CA2090179.

ClinVar aggregate classification (germline): Benign/Likely benign. Review status: criteria provided, multiple submitters, no conflicts (2 of 4 stars). 7 submissions from 7 submitters: Benign (1); Likely benign (6). Last evaluated 2025-11-23.

Conditions:
Familial cancer of breast. Also called: BREAST CANCER, FAMILIAL; hereditary breast carcinoma; Hereditary breast cancer. Identifiers: Orphanet 227535, MedGen C0346153, MONDO:0016419, OMIM 114480. Disease mechanism: loss of function.
BARD1-related cancer predisposition. Identifiers: MedGen CN377756, MONDO:0700267.
Hereditary cancer-predisposing syndrome. Also called: Neoplastic Syndromes, Hereditary; Tumor predisposition; Hereditary Cancer Syndrome; Hereditary neoplastic syndrome. Identifiers: Orphanet 140162, MedGen C0027672, MeSH D009386, MONDO:0015356.

Allele frequency attached by ClinVar (database versions not stated): gnomAD exomes below 0.00001 and 0.00001; ExAC 0.00001.
gnomAD v4.1: 2 of 1,613,910 alleles (0.00012%); highest among the groups gnomAD compares: Middle Eastern, 0.017%; no homozygotes.

Submissions (7):

Labcorp Genetics (formerly Invitae), Labcorp
Classification: Likely benign for Familial cancer of breast. Last evaluated: 2025-11-23. Review status: criteria provided, single submitter. Criteria: Invitae Variant Classification Sherloc (09022015). Collection method: clinical testing. Allele origin: germline.

Department of Pathology and Laboratory Medicine, Sinai Health System
Classification: Likely benign for BARD1-related cancer predisposition. Last evaluated: 2024-08-16. Review status: criteria provided, single submitter. Criteria: ACMG Guidelines, 2015. Collection method: clinical testing. Allele origin: germline.

Myriad Genetics, Inc.
Classification: Benign for Familial cancer of breast. Last evaluated: 2024-07-26. Review status: criteria provided, single submitter. Criteria: Myriad Autosomal Dominant, Autosomal Recessive and X-Linked Classification Criteria (2023). Collection method: clinical testing. Allele origin: unknown.
Comment: This variant is considered benign. This variant is a silent/synonymous amino acid change and it is not expected to impact splicing.

Women's Health and Genetics/Laboratory Corporation of America, LabCorp
Classification: Likely benign. Last evaluated: 2023-07-27. Review status: criteria provided, single submitter. Criteria: LabCorp Variant Classification Summary - May 2015. Collection method: clinical testing. Allele origin: germline.

Color Diagnostics, LLC DBA Color Health
Classification: Likely benign for Hereditary cancer-predisposing syndrome. Last evaluated: 2019-11-22. Review status: criteria provided, single submitter. Criteria: ACMG Guidelines, 2015. Collection method: clinical testing. Allele origin: germline.

GeneDx
Classification: Likely benign. Last evaluated: 2017-08-07. Review status: criteria provided, single submitter. Criteria: GeneDx Variant Classification (06012015). Collection method: clinical testing. Allele origin: germline. Affected: yes.
Comment: This variant is considered likely benign or benign based on one or more of the following criteria: it is a conservative change, it occurs at a poorly conserved position in the protein, it is predicted to be benign by multiple in silico algorithms, and/or has population frequency not consistent with disease.

Ambry Genetics
Classification: Likely benign for Hereditary cancer-predisposing syndrome. Last evaluated: 2015-04-08. Review status: criteria provided, single submitter. Criteria: Ambry Variant Classification Scheme 2023. Collection method: clinical testing. Allele origin: germline.